The following is an entry in ClinVar:

ClinVar aggregate classification (germline): Pathogenic (1 of 4 stars; one submission).

Conditions:
Fanconi anemia complementation group C (FANCC). Also called: FANCONI PANCYTOPENIA, TYPE 3; FACC; Fanconi anemia, group C; FANCC-Related Fanconi Anemia. Identifiers: Orphanet 84, MedGen C3468041, MONDO:0009213, OMIM 227645.

Submission:

Myriad Genetics, Inc.
Classification: Pathogenic for Fanconi anemia complementation group C. Last evaluated: 2024-07-01. Review status: criteria provided, single submitter. Criteria: Myriad Autosomal Dominant, Autosomal Recessive and X-Linked Classification Criteria (2023). Collection method: clinical testing. Allele origin: unknown.
Comment: NM_000136.2(FANCC):c.714_723del10(V239Sfs*20) is expected to be pathogenic in the context of Fanconi anemia, FANCC-related. This variant is predicted to lead to an abnormal or absent protein product due to the creation of a premature termination codon in FANCC, a gene where loss-of-function variants are known to be pathogenic. Please note: this variant was assessed in the context of healthy population screening.

NM_000136.3(FANCC):c.714_723del (p.Val239fs)

Genes: AOPEP (aminopeptidase O (putative); plus strand), FANCC (FA complementation group C; minus strand). Cytogenetic location: 9q22.32.
Variant type: Deletion.
Coding change: c.714_723del on transcript NM_000136.3 (MANE Select); coding-DNA positions 714 to 723, 10 bases deleted (TGTAGTCTGC; older notation c.714_723delTGTAGTCTGC).
Protein change: p.Val239fs; shifts the reading frame from valine 239.
Molecular consequence: frameshift variant.
Genome position (GRCh38, 1-based): chr9:95,135,466-95,135,475, GCAGACTACA deleted on the plus strand (TGTAGTCTGC on the coding strand, the reverse complement: FANCC is on the minus strand); deleting any 10 consecutive bases within chr9:95,135,466-95,135,477 gives the same sequence; the c. name uses the placement nearest the transcript's 3' end. VCF-style (leftmost placement, unchanged base first): chr9-95135465-GGCAGACTACA-G. GRCh37 (hg19) VCF-style: chr9-97897747-GGCAGACTACA-G.
Other names: c.714_723del, p.Val239fs (NM_001243743.2, NM_001243744.2); short protein forms V239fs.
Identifiers: ClinVar variation 5013267 (VCV005013267.1).